The following is an entry in ClinVar:

ClinVar aggregate classification (germline): Uncertain significance (1 of 4 stars; one submission).

Submission:

GeneDx
Classification: Uncertain significance. Last evaluated: 2024-12-04. Review status: criteria provided, single submitter. Criteria: GeneDx Variant Classification Process June 2021. Collection method: clinical testing. Allele origin: germline. Affected: yes.
Comment: Not observed at significant frequency in large population cohorts (gnomAD); In silico analysis supports that this missense variant has a deleterious effect on protein structure/function; Has not been previously published as pathogenic or benign to our knowledge

NM_000271.5(NPC1):c.2603A>C (p.Asp868Ala)

Gene: NPC1 (NPC intracellular cholesterol transporter 1; minus strand). Cytogenetic location: 18q11.2.
Variant type: single nucleotide variant.
Coding change: c.2603A>C on transcript NM_000271.5 (MANE Select); coding-DNA position 2603, A replaced by C.
Protein change: p.Asp868Ala; replaces aspartic acid 868 with alanine.
Molecular consequence: missense variant.
Genome position (GRCh38, 1-based): chr18:23,540,449, T>G on the plus strand (A>C on the coding strand, the complement: NPC1 is on the minus strand). VCF-style: chr18-23540449-T-G. GRCh37 (hg19) VCF-style: chr18-21120413-T-G.
Other names: short protein forms D868A.
Identifiers: ClinVar variation 3901765 (VCV003901765.1).
Genomic context (GRCh38, chr18:23,540,449, plus strand): 5'-AAATGTATTCATCATCAGCTAAAGAAGTTAAAAAAAAAAAAAAAAGGAAGTCATCTTACA[T>G]CTGGCATCGAAAGAGACTGATCCAATCCAATATCTACTTTGTTCAGGACTGCGATGCTGA-3'
Protein context (NP_000262.2, residues 858-878): IGLDQSLSMP[Asp868Ala]DSYMVDYFKS